The following is an entry in ClinVar:

NM_032595.5(PPP1R9B):c.1092G>T (p.Arg364Ser)

Gene: PPP1R9B (protein phosphatase 1 regulatory subunit 9B; minus strand). Cytogenetic location: 17q21.33.
Variant type: single nucleotide variant.
Coding change: c.1092G>T on transcript NM_032595.5 (MANE Select); coding-DNA position 1092, G replaced by T.
Protein change: p.Arg364Ser; replaces arginine 364 with serine.
Molecular consequence: missense variant.
Genome position (GRCh38, 1-based): chr17:50,149,422, C>A on the plus strand (G>T on the coding strand, the complement: PPP1R9B is on the minus strand). VCF-style: chr17-50149422-C-A. GRCh37 (hg19) VCF-style: chr17-48226787-C-A.
Other names: short protein forms R364S.
Identifiers: ClinVar variation 3031187 (VCV003031187.1), dbSNP rs367543189, ClinGen allele CA400196431.
Genomic context (GRCh38, chr17:50,149,422, plus strand): 5'-CTTCTTGGATTCATCTACCTCCTCAGGGGCCACGTCCGGGGCCCGGCCATTGCCCACCCC[C>A]CTCTCTGGCGGCGCTACCGCCGCCGCCTCCTTCTCCGGGGCCGCTTGGGCCTTTGGCTCC-3'
Protein context (NP_115984.3, residues 354-374): KEAAAVAPPE[Arg364Ser]GVGNGRAPDV

ClinVar aggregate classification (germline): Likely benign (1 of 4 stars; one submission).

Conditions:
PPP1R9B-related disorder. Also called: PPP1R9B-related condition.

Submission:

PreventionGenetics, part of Exact Sciences
Classification: Likely benign for PPP1R9B-related condition. Last evaluated: 2021-06-01. Review status: criteria provided, single submitter. Criteria: ACMG Guidelines, 2015. Collection method: clinical testing. Allele origin: germline.
Comment: This variant is classified as likely benign based on ACMG/AMP sequence variant interpretation guidelines (Richards et al. 2015 PMID: 25741868, with internal and published modifications).